The following is an entry in ClinVar:

NM_001127511.3(APC):c.27G>T (p.Pro9=)

Gene: APC (APC regulator of Wnt signaling pathway; plus strand). Cytogenetic location: 5q22.2.
Variant type: single nucleotide variant.
Coding change: c.27G>T on transcript NM_001127511.3; coding-DNA position 27, G replaced by T.
Protein change: p.Pro9=; no amino-acid change (proline 9 retained).
Molecular consequence: synonymous variant. On other transcripts: 5 prime UTR variant (8), non-coding transcript variant (1), intron variant (5).
Genome position (GRCh38, 1-based): chr5:112,707,744, G>T. VCF-style: chr5-112707744-G-T. GRCh37 (hg19) VCF-style: chr5-112043441-G-T.
Other names: c.-157G>T (NM_001354895.2, NM_001407447.1, NM_001407452.1 and 3 more transcripts); c.27G>T, p.Pro9= (NM_001354897.2, NM_001354902.2, NM_001407446.1); c.-1192G>T (NM_001407470.1, NM_001407472.1); c.-19+95G>T (NM_001407448.1, NM_001407450.1, NM_001407457.1 and 1 more transcripts); c.-43+95G>T (NM_001407453.1).
Identifiers: ClinVar variation 2895527 (VCV002895527.3), dbSNP rs761592349, ClinGen allele CA2674863620.
Genomic context (GRCh38, chr5:112,707,744, plus strand): 5'-CACTCAGTTGCCTTCTCGGGCCTCGGCGCCCCCTATGTACGCCTCCCTGGGCTCGGGTCC[G>T]GTCGCCCCTTTGCCCGCTTCTGTACCACCCTCAGTTCTCGGGTCCTGGAGCACCGGCGGC-3'

ClinVar aggregate classification (germline): Uncertain significance (1 of 4 stars; one submission).

Conditions:
Familial adenomatous polyposis 1 (FAP1). Also called: FAMILIAL ADENOMATOUS POLYPOSIS 1, ATTENUATED; POLYPOSIS, ADENOMATOUS INTESTINAL. Identifiers: MedGen C2713442, MONDO:0021056, OMIM 175100. Disease mechanism: loss of function.

gnomAD v4.1: 2 of 1,370,628 alleles (0.00015%); highest among the groups gnomAD compares: Non-Finnish European, 0.00019%; no homozygotes.

Submission:

Labcorp Genetics (formerly Invitae), Labcorp
Classification: Uncertain significance for Familial adenomatous polyposis 1. Last evaluated: 2023-12-02. Review status: criteria provided, single submitter. Criteria: Invitae Variant Classification Sherloc (09022015). Collection method: clinical testing. Allele origin: germline.
Comment: This variant occurs in a non-coding region of the APC gene. It does not change the encoded amino acid sequence of the APC protein. This variant is not present in population databases (gnomAD no frequency). This variant has not been reported in the literature in individuals affected with APC-related conditions. Experimental studies and prediction algorithms are not available or were not evaluated, and the functional significance of this variant is currently unknown. In summary, the available evidence is currently insufficient to determine the role of this variant in disease. Therefore, it has been classified as a Variant of Uncertain Significance.